The following is an entry in ClinVar:

NM_182931.3(KMT2E):c.4123A>G (p.Lys1375Glu)

Gene: KMT2E (lysine methyltransferase 2E (inactive); plus strand). Cytogenetic location: 7q22.3.
Variant type: single nucleotide variant.
Coding change: c.4123A>G on transcript NM_182931.3 (MANE Select); coding-DNA position 4123, A replaced by G.
Protein change: p.Lys1375Glu; replaces lysine 1375 with glutamic acid.
Molecular consequence: missense variant.
Genome position (GRCh38, 1-based): chr7:105,111,879, A>G. VCF-style: chr7-105111879-A-G. GRCh37 (hg19) VCF-style: chr7-104752326-A-G.
Other names: c.3997A>G, p.Lys1333Glu (NM_001410908.1); c.4123A>G, p.Lys1375Glu (NM_018682.4); short protein forms K1333E, K1375E.
Identifiers: ClinVar variation 2013371 (VCV002013371.4), dbSNP rs1398074577, ClinGen allele CA368791704.
Genomic context (GRCh38, chr7:105,111,879, plus strand): 5'-TCATAGCCTGGTTCACCTGGATCTGTAATTCCTGCTCAAGCACACGGGAAAATATTCACA[A>G]AACCAGATCCCCAATGGGACTCCACAGTTAGTGCATCCGAAGCTGAAAATGGTGTTCACC-3'
Protein context (NP_891847.1, residues 1365-1385): PAQAHGKIFT[Lys1375Glu]PDPQWDSTVS

ClinVar aggregate classification (germline): Uncertain significance (1 of 4 stars; one submission).

Allele frequency attached by ClinVar (database versions not stated): gnomAD exomes below 0.00001.

Submission:

Labcorp Genetics (formerly Invitae), Labcorp
Classification: Uncertain significance. Last evaluated: 2022-07-03. Review status: criteria provided, single submitter. Criteria: Invitae Variant Classification Sherloc (09022015). Collection method: clinical testing. Allele origin: germline.
Comment: This variant has not been reported in the literature in individuals affected with KMT2E-related conditions. This variant is present in population databases (no rsID available, gnomAD 0.003%). This sequence change replaces lysine, which is basic and polar, with glutamic acid, which is acidic and polar, at codon 1375 of the KMT2E protein (p.Lys1375Glu). In summary, the available evidence is currently insufficient to determine the role of this variant in disease. Therefore, it has been classified as a Variant of Uncertain Significance. Algorithms developed to predict the effect of missense changes on protein structure and function (SIFT, PolyPhen-2, Align-GVGD) all suggest that this variant is likely to be tolerated.